The following is an entry in ClinVar:

ClinVar aggregate classification (germline): Pathogenic/Likely pathogenic. Review status: criteria provided, multiple submitters, no conflicts (2 of 4 stars). 2 submissions from 2 submitters: Pathogenic (1); Likely pathogenic (1). Last evaluated 2025-05-07.

Conditions:
Usher syndrome type 2A. Also called: RETINAL DISEASE IN USHER SYNDROME TYPE IIA, MODIFIER OF; USHER SYNDROME, TYPE IIA. Identifiers: Orphanet 231178, Orphanet 886, MedGen C1848634, MONDO:0010169, OMIM 276901.

Submissions (2):

Labcorp Genetics (formerly Invitae), Labcorp
Classification: Pathogenic. Last evaluated: 2025-05-07. Review status: criteria provided, single submitter. Criteria: Invitae Variant Classification Sherloc (09022015). Collection method: clinical testing. Allele origin: germline.
Comment: This sequence change creates a premature translational stop signal (p.Gly743Valfs*12) in the USH2A gene. It is expected to result in an absent or disrupted protein product. Loss-of-function variants in USH2A are known to be pathogenic (PMID: 10729113, 10909849, 20507924, 25649381). This variant is present in population databases (no rsID available, gnomAD 0.003%). This variant has not been reported in the literature in individuals affected with USH2A-related conditions. ClinVar contains an entry for this variant (Variation ID: 1423058). Algorithms developed to predict the effect of sequence changes on RNA splicing suggest that this variant may disrupt the consensus splice site. For these reasons, this variant has been classified as Pathogenic.

Natera, Inc.
Classification: Likely pathogenic for Usher syndrome type 2A. Last evaluated: 2024-06-14. Review status: criteria provided, single submitter. Criteria: Natera Variant Classification Schema (03/2026). Collection method: clinical testing. Allele origin: germline.
Comment: The c.2228_2231del variant in USH2A is a frameshift variant predicted to shift the reading frame beginning at codon 743 and leads to a stop codon 12 codons downstream. This variant is expected to result in nonsense mediated decay, truncation, or a dysfunctional protein product. This variant is rare in the general population with a frequency below the threshold expected for the associated phenotype(s). Given the available evidence, this variant is classified as Likely Pathogenic.

Literature cited by the submitters: PubMed 10729113 (cited by Labcorp Genetics (formerly Invitae), Labcorp); PubMed 10909849 (cited by Labcorp Genetics (formerly Invitae), Labcorp); PubMed 20507924 (cited by Labcorp Genetics (formerly Invitae), Labcorp); PubMed 25649381 (cited by Labcorp Genetics (formerly Invitae), Labcorp).

NM_206933.4(USH2A):c.2228_2231del (p.Gly743fs)

Gene: USH2A (usherin; minus strand). Cytogenetic location: 1q41.
Variant type: Deletion.
Coding change: c.2228_2231del on transcript NM_206933.4 (MANE Select); coding-DNA positions 2228 to 2231, 4 bases deleted (GATG; older notation c.2228_2231delGATG).
Protein change: p.Gly743fs; shifts the reading frame from glycine 743.
Molecular consequence: frameshift variant.
Genome position (GRCh38, 1-based): chr1:216,247,163-216,247,166, CATC deleted on the plus strand (GATG on the coding strand, the reverse complement: USH2A is on the minus strand); deleting any 4 consecutive bases within chr1:216,247,163-216,247,168 gives the same sequence; the c. name uses the placement nearest the transcript's 3' end. VCF-style (leftmost placement, unchanged base first): chr1-216247162-ACATC-A. GRCh37 (hg19) VCF-style: chr1-216420504-ACATC-A.
Other names: c.2228_2231del, p.Gly743fs (NM_007123.6); c.2228_2231del (NM_206933.2); short protein forms G743fs.
Identifiers: ClinVar variation 1423058 (VCV001423058.7), dbSNP rs1305146157, ClinGen allele CA529002644.